The following is an entry in ClinVar:

NM_016335.6(PRODH):c.829C>A (p.Leu277Met)

Gene: PRODH (proline dehydrogenase 1; minus strand). Cytogenetic location: 22q11.21.
Variant type: single nucleotide variant.
Coding change: c.829C>A on transcript NM_016335.6 (MANE Select); coding-DNA position 829, C replaced by A.
Protein change: p.Leu277Met; replaces leucine 277 with methionine.
Molecular consequence: missense variant.
Genome position (GRCh38, 1-based): chr22:18,922,837, G>T on the plus strand (C>A on the coding strand, the complement: PRODH is on the minus strand). VCF-style: chr22-18922837-G-T. GRCh37 (hg19) VCF-style: chr22-18910350-G-T.
Other names: c.505C>A, p.Leu169Met (NM_001195226.2); short protein forms L169M, L277M.
Identifiers: ClinVar variation 1040796 (VCV001040796.8), dbSNP rs143408578, ClinGen allele CA10095230.

ClinVar aggregate classification (germline): Uncertain significance (1 of 4 stars; one submission).

Conditions:
Proline dehydrogenase deficiency (HYRPRO1). Also called: PROLINE OXIDASE DEFICIENCY; Hyperprolinemia type 1. Identifiers: Orphanet 419, MedGen C0268529, MONDO:0009400, OMIM 239500.

Allele frequency attached by ClinVar (database versions not stated): ExAC 0.00002; ESP Exome Variant Server 0.00008; 1000 Genomes Project 0.00020.

Submission:

Labcorp Genetics (formerly Invitae), Labcorp
Classification: Uncertain significance for Proline dehydrogenase deficiency. Last evaluated: 2022-04-07. Review status: criteria provided, single submitter. Criteria: Invitae Variant Classification Sherloc (09022015). Collection method: clinical testing. Allele origin: germline.
Comment: Algorithms developed to predict the effect of missense changes on protein structure and function are either unavailable or do not agree on the potential impact of this missense change (SIFT: "Tolerated"; PolyPhen-2: "Probably Damaging"; Align-GVGD: "Class C0"). In summary, the available evidence is currently insufficient to determine the role of this variant in disease. Therefore, it has been classified as a Variant of Uncertain Significance. ClinVar contains an entry for this variant (Variation ID: 1040796). This variant has not been reported in the literature in individuals affected with PRODH-related conditions. This variant is present in population databases (rs143408578, gnomAD 0.02%). This sequence change replaces leucine, which is neutral and non-polar, with methionine, which is neutral and non-polar, at codon 277 of the PRODH protein (p.Leu277Met).